The following is an entry in ClinVar:

ClinVar aggregate classification (germline): Uncertain significance (1 of 4 stars; one submission).

Submission:

GeneDx
Classification: Uncertain significance. Last evaluated: 2023-01-10. Review status: criteria provided, single submitter. Criteria: GeneDx Variant Classification Process June 2021. Collection method: clinical testing. Allele origin: germline. Affected: yes.
Comment: Not observed at significant frequency in large population cohorts (gnomAD); In silico analysis supports that this missense variant does not alter protein structure/function; Has not been previously published as pathogenic or benign to our knowledge

NM_001130823.3(DNMT1):c.4896C>G (p.Asp1632Glu)

Gene: DNMT1 (DNA methyltransferase 1; minus strand). Cytogenetic location: 19p13.2.
Variant type: single nucleotide variant.
Coding change: c.4896C>G on transcript NM_001130823.3 (MANE Select); coding-DNA position 4896, C replaced by G.
Protein change: p.Asp1632Glu; replaces aspartic acid 1632 with glutamic acid.
Molecular consequence: missense variant.
Genome position (GRCh38, 1-based): chr19:10,133,670, G>C on the plus strand (C>G on the coding strand, the complement: DNMT1 is on the minus strand). VCF-style: chr19-10133670-G-C. GRCh37 (hg19) VCF-style: chr19-10244346-G-C.
Other names: c.4857C>G, p.Asp1619Glu (NM_001318730.2); c.4533C>G, p.Asp1511Glu (NM_001318731.2); c.4848C>G, p.Asp1616Glu (NM_001379.4); short protein forms D1511E, D1616E, D1619E, D1632E.
Identifiers: ClinVar variation 2571982 (VCV002571982.1), dbSNP rs2513758582, ClinGen allele CA403966889.